The following is an entry in ClinVar:

NM_002114.4(HIVEP1):c.4339C>T (p.His1447Tyr)

Gene: HIVEP1 (HIVEP zinc finger 1; plus strand). Cytogenetic location: 6p24.1.
Variant type: single nucleotide variant.
Coding change: c.4339C>T on transcript NM_002114.4 (MANE Select); coding-DNA position 4339, C replaced by T.
Protein change: p.His1447Tyr; replaces histidine 1447 with tyrosine.
Molecular consequence: missense variant.
Genome position (GRCh38, 1-based): chr6:12,124,134, C>T. VCF-style: chr6-12124134-C-T. GRCh37 (hg19) VCF-style: chr6-12124367-C-T.
Other names: short protein forms H1447Y.
Identifiers: ClinVar variation 2549161 (VCV002549161.3), dbSNP rs753007733, ClinGen allele CA3637748.

ClinVar aggregate classification (germline): Uncertain significance (1 of 4 stars; one submission).

Allele frequency attached by ClinVar (database versions not stated): ExAC 0.00001; gnomAD 0.00001; gnomAD exomes 0.00001.
gnomAD v4.1: 11 of 1,614,010 alleles (0.00068%); highest among the groups gnomAD compares: Non-Finnish European, 0.00093%; no homozygotes.

Submission:

Ambry Genetics
Classification: Uncertain significance. Last evaluated: 2025-12-15. Review status: criteria provided, single submitter. Criteria: Ambry Variant Classification Scheme 2023. Collection method: clinical testing. Allele origin: germline.
Comment: The c.4339C>T (p.H1447Y) alteration is located in exon 4 (coding exon 3) of the HIVEP1 gene. This alteration results from a C to T substitution at nucleotide position 4339, causing the histidine (H) at amino acid position 1447 to be replaced by a tyrosine (Y). Based on data from gnomAD, the T allele has an overall frequency of <0.001% (1/249186) total alleles studied. The highest observed frequency was 0.001% (1/112936) of European (non-Finnish) alleles. Based on insufficient or conflicting evidence, the clinical significance of this alteration remains unclear.